The following is an entry in ClinVar:

NC_000005.9:g.(?_148420959)_(148442585_?)del

Gene: SH3TC2 (SH3 domain and tetratricopeptide repeats 2; minus strand). Cytogenetic location: 5q32.
Variant type: Deletion.
Identifiers: ClinVar variation 3246421 (VCV003246421.1).

ClinVar aggregate classification (germline): Pathogenic (1 of 4 stars; one submission).

Conditions:
Charcot-Marie-Tooth disease type 4. Also called: Charcot-Marie-Tooth, Type 4; Charcot-Marie-Tooth disease, type IV. Identifiers: Orphanet 64749, MedGen C4082197, MONDO:0018995.

Submission:

Labcorp Genetics (formerly Invitae), Labcorp
Classification: Pathogenic for Charcot-Marie-Tooth disease type 4. Last evaluated: 2023-07-23. Review status: criteria provided, single submitter. Criteria: Invitae Variant Classification Sherloc (09022015). Collection method: clinical testing. Allele origin: unknown.
Comment: For these reasons, this variant has been classified as Pathogenic. This variant has not been reported in the literature in individuals affected with SH3TC2-related conditions. This variant is a gross deletion of the genomic region encompassing exon(s) 1-6 of the SH3TC2 gene, which includes the initiator codon. This deletion extends beyond the assayed region for this gene and therefore may encompass additional genes. It is expected to result in an absent or disrupted protein product. Loss-of-function variants in SH3TC2 are known to be pathogenic (PMID: 20220177, 27068304).

Literature cited by the submitters: PubMed 20220177; PubMed 27068304.